The following is an entry in ClinVar:

NM_022124.6(CDH23):c.193dup (p.Leu65fs)

Genes: CDH23 (cadherin related 23; plus strand), CDH23-AS1 (CDH23 antisense RNA 1; minus strand). Cytogenetic location: 10q22.1.
Variant type: Duplication.
Coding change: c.193dup on transcript NM_022124.6 (MANE Select); coding-DNA position 193, one base duplicated (C; older notation c.193dupC).
Protein change: p.Leu65fs; shifts the reading frame from leucine 65.
Molecular consequence: frameshift variant.
Genome position (GRCh38, 1-based): chr10:71,510,129, C duplicated; the last of 5 consecutive C bases (chr10:71,510,125-71,510,129); duplicating any one gives the same sequence. VCF-style (leftmost placement, unchanged base first): chr10-71510124-A-AC. GRCh37 (hg19) VCF-style: chr10-73269881-A-AC.
Other names: c.193dup, p.Leu65fs (NM_001171930.2, NM_001171931.2, NM_001171932.2 and 1 more transcripts); short protein forms L65fs.
Identifiers: ClinVar variation 2136877 (VCV002136877.4), dbSNP rs796051861, ClinGen allele CA2580081798.
Genomic context (GRCh38, chr10:71,510,124, plus strand): 5'-CTCCCTTGGCTACTCCAGGTTCTTCTGTGACCCAGTTGCTGGCCCAAGACATGGACAATG[A>AC]CCCCCTGGTGTTTGGCGTGTCTGGGGAGGAGGCCTCTCGCTTCTTTGCAGTGGAGCCTGA-3'

ClinVar aggregate classification (germline): Pathogenic (1 of 4 stars; one submission).

Submission:

Labcorp Genetics (formerly Invitae), Labcorp
Classification: Pathogenic. Last evaluated: 2022-07-04. Review status: criteria provided, single submitter. Criteria: Invitae Variant Classification Sherloc (09022015). Collection method: clinical testing. Allele origin: germline.
Comment: For these reasons, this variant has been classified as Pathogenic. This variant is also known as c.189_190insC. This premature translational stop signal has been observed in individual(s) with non-syndromic hearing loss (PMID: 24416283). This variant is not present in population databases (gnomAD no frequency). This sequence change creates a premature translational stop signal (p.Leu65Profs*19) in the CDH23 gene. It is expected to result in an absent or disrupted protein product. Loss-of-function variants in CDH23 are known to be pathogenic (PMID: 11138009, 21940737).

Literature cited by the submitters: PubMed 24416283; PubMed 11138009; PubMed 21940737.